The following is an entry in ClinVar:

NM_000075.4(CDK4):c.849A>G (p.Arg283=)

Genes: TSPAN31 (tetraspanin 31; plus strand), CDK4 (cyclin dependent kinase 4; minus strand). Cytogenetic location: 12q14.1.
Variant type: single nucleotide variant.
Coding change: c.849A>G on transcript NM_000075.4 (MANE Select); coding-DNA position 849, A replaced by G.
Protein change: p.Arg283=; no amino-acid change (arginine 283 retained).
Molecular consequence: synonymous variant. On other transcripts: 3 prime UTR variant (3).
Genome position (GRCh38, 1-based): chr12:57,748,588, T>C on the plus strand (A>G on the coding strand, the complement: CDK4 is on the minus strand). VCF-style: chr12-57748588-T-C. GRCh37 (hg19) VCF-style: chr12-58142371-T-C.
Other names: c.*1298T>C (NM_001330168.2, NM_001330169.2, NM_005981.5).
Identifiers: ClinVar variation 822510 (VCV000822510.13), dbSNP rs1595107798, ClinGen allele CA480299589.

ClinVar aggregate classification (germline): Benign/Likely benign. Review status: criteria provided, multiple submitters, no conflicts (2 of 4 stars). 3 submissions from 3 submitters: Benign (1); Likely benign (2). Last evaluated 2024-09-27.

Conditions:
Hereditary cancer-predisposing syndrome. Also called: Tumor predisposition; Hereditary Cancer Syndrome; Neoplastic Syndromes, Hereditary; Hereditary neoplastic syndrome. Identifiers: Orphanet 140162, MedGen C0027672, MeSH D009386, MONDO:0015356.
Familial melanoma. Also called: Hereditary melanoma; Hereditary cutaneous melanoma. Identifiers: Orphanet 618, MedGen C1512419, MONDO:0018961.
Melanoma, cutaneous malignant, susceptibility to, 3. Also called: Cutaneous malignant melanoma 3. Identifiers: Orphanet 618, MedGen C1836892, MONDO:0012183, OMIM 609048.

Submissions (3):

Myriad Genetics, Inc.
Classification: Benign for Melanoma, cutaneous malignant, susceptibility to, 3. Last evaluated: 2024-09-27. Review status: criteria provided, single submitter. Criteria: Myriad Autosomal Dominant, Autosomal Recessive and X-Linked Classification Criteria (2023). Collection method: clinical testing. Allele origin: unknown.
Comment: This variant is considered benign. This variant is a silent/synonymous amino acid change and it is not expected to impact splicing.

Labcorp Genetics (formerly Invitae), Labcorp
Classification: Likely benign for Familial melanoma. Last evaluated: 2023-10-03. Review status: criteria provided, single submitter. Criteria: Invitae Variant Classification Sherloc (09022015). Collection method: clinical testing. Allele origin: germline.

Ambry Genetics
Classification: Likely benign for Hereditary cancer-predisposing syndrome. Last evaluated: 2019-05-14. Review status: criteria provided, single submitter. Criteria: Ambry Variant Classification Scheme 2023. Collection method: clinical testing. Allele origin: germline.